The following is an entry in ClinVar:

NM_022489.4(INF2):c.313_314delinsAA (p.Val105Lys)

Gene: INF2 (inverted formin 2; plus strand). Cytogenetic location: 14q32.33.
Variant type: Indel.
Coding change: c.313_314delinsAA on transcript NM_022489.4 (MANE Select); coding-DNA positions 313 to 314, GT replaced by AA.
Protein change: p.Val105Lys; replaces valine 105 with lysine.
Molecular consequence: missense variant. On other transcripts: non-coding transcript variant (1).
Genome position (GRCh38, 1-based): chr14:104,701,678-104,701,679, GT replaced by AA. VCF-style: chr14-104701678-GT-AA. GRCh37 (hg19) VCF-style: chr14-105168015-GT-AA.
Other names: c.313_314delinsAA, p.Val105Lys (NM_001031714.4, NM_001426862.1, NM_001426863.1 and 6 more transcripts); short protein forms V105K.
Identifiers: ClinVar variation 3755532 (VCV003755532.2).

ClinVar aggregate classification (germline): Uncertain significance (1 of 4 stars; one submission).

Conditions:
Focal segmental glomerulosclerosis 5 (FSGS5). Identifiers: Orphanet 656, MedGen C2750475, MONDO:0013191, OMIM 613237.
Charcot-Marie-Tooth disease dominant intermediate E. Also called: CHARCOT-MARIE-TOOTH NEUROPATHY WITH FOCAL SEGMENTAL GLOMERULONEPHRITIS. Identifiers: Orphanet 93114, MedGen C4302667, MONDO:0013758, OMIM 614455.

Submission:

Labcorp Genetics (formerly Invitae), Labcorp
Classification: Uncertain significance for Charcot-Marie-Tooth disease dominant intermediate E; Focal segmental glomerulosclerosis 5. Last evaluated: 2024-03-26. Review status: criteria provided, single submitter. Criteria: Invitae Variant Classification Sherloc (09022015). Collection method: clinical testing. Allele origin: germline.
Comment: This sequence change replaces valine, which is neutral and non-polar, with lysine, which is basic and polar, at codon 105 of the INF2 protein (p.Val105Lys). Information on the frequency of this variant in the gnomAD database is not available, as this variant may be reported differently in the database. This variant has not been reported in the literature in individuals affected with INF2-related conditions. An algorithm developed to predict the effect of missense changes on protein structure and function (PolyPhen-2) suggests that this variant is likely to be disruptive. This variant disrupts the p.Val105 amino acid residue in INF2. Other variant(s) that disrupt this residue have been determined to be pathogenic (Invitae). This suggests that this residue is clinically significant, and that variants that disrupt this residue are likely to be disease-causing. In summary, the available evidence is currently insufficient to determine the role of this variant in disease. Therefore, it has been classified as a Variant of Uncertain Significance.